The following is an entry in ClinVar:

ClinVar aggregate classification (germline): Conflicting classifications of pathogenicity. Review status: criteria provided, conflicting classifications (1 of 4 stars). 9 submissions from 7 submitters: Uncertain significance (4); Benign (1); Likely benign (2). 2 of the submissions do not count toward it. Last evaluated 2026-07-02.

Conditions:
Schizophrenia 4 (SCZD4). Also called: SCHIZOPHRENIA SUSCEPTIBILITY LOCUS, CHROMOSOME 22q11-RELATED; SCHIZOPHRENIA, SUSCEPTIBILITY TO, 4. Identifiers: MedGen C1833247, MONDO:0010943, OMIM 600850.
Proline dehydrogenase deficiency (HYRPRO1). Also called: PROLINE OXIDASE DEFICIENCY; Hyperprolinemia type 1. Identifiers: Orphanet 419, MedGen C0268529, MONDO:0009400, OMIM 239500.

Allele frequency attached by ClinVar (database versions not stated): gnomAD exomes 0.00361; gnomAD 0.00464; ExAC 0.00419; 1000 Genomes Project 0.00319.

Submissions (9):

Institute of Human Genetics, University of Leipzig Medical Center
Classification: Uncertain significance for Proline dehydrogenase deficiency. Last evaluated: 2026-07-02. Review status: criteria provided, single submitter. Criteria: ACMG Guidelines, 2015. Collection method: clinical testing. Allele origin: unknown. Inheritance: Autosomal recessive inheritance. Affected: yes.
Comment: Criteria applied: PM3_STR,PS3_SUP,PP4,BP4

Labcorp Genetics (formerly Invitae), Labcorp
Classification: Benign for Proline dehydrogenase deficiency. Last evaluated: 2026-01-23. Review status: criteria provided, single submitter. Criteria: Invitae Variant Classification Sherloc (09022015). Collection method: clinical testing. Allele origin: germline.

Department of Pathology and Laboratory Medicine, Sinai Health System
Classification: Uncertain significance for Proline dehydrogenase deficiency; Schizophrenia 4. Last evaluated: 2023-03-30. Review status: criteria provided, single submitter. Criteria: ACMG Guidelines, 2015. Collection method: research. Allele origin: germline.

Dubai Health Genomic Medicine Center, Dubai Health
Classification: Likely benign. Last evaluated: 2020-07-27. Review status: criteria provided, single submitter. Criteria: ACMG Guidelines, 2015. Collection method: clinical testing. Allele origin: germline. Affected: yes.

GeneDx
Classification: Likely benign. Last evaluated: 2019-07-31. Review status: criteria provided, single submitter. Criteria: GeneDx Variant Classification Process June 2021. Collection method: clinical testing. Allele origin: germline. Affected: yes.
Comment: In silico analysis, which includes protein predictors and evolutionary conservation, supports that this variant does not alter protein structure/function; This variant is associated with the following publications: (PMID: 18506409, 28202261, 12217952, 15662599, 24498354, 15494707)

Genomic Research Center, Shahid Beheshti University of Medical Sciences
Classification: Uncertain significance for Proline dehydrogenase deficiency. Last evaluated: 2018-08-07. Review status: criteria provided, single submitter. Criteria: ACMG Guidelines, 2015. Collection method: clinical testing. Allele origin: inherited. Affected: yes. Observed: 1 variant allele.

Genomic Research Center, Shahid Beheshti University of Medical Sciences
Classification: Uncertain significance for Schizophrenia 4. Last evaluated: 2018-08-07. Review status: criteria provided, single submitter. Criteria: ACMG Guidelines, 2015. Collection method: clinical testing. Allele origin: inherited. Affected: yes. Observed: 1 variant allele.

OMIM
Classification: Pathogenic for HYPERPROLINEMIA, TYPE I. Last evaluated: 2005-03-01. Review status: no assertion criteria provided. Collection method: literature only. Allele origin: germline. Not counted in ClinVar's aggregate classification.

OMIM
Classification: risk factor for SCHIZOPHRENIA, SUSCEPTIBILITY TO, 4. Last evaluated: 2005-03-01. Review status: no assertion criteria provided. Collection method: literature only. Allele origin: germline. Not counted in ClinVar's aggregate classification.

Literature cited by the submitters: PubMed 12217952 (cited by OMIM); PubMed 15662599 (cited by OMIM).

NM_016335.6(PRODH):c.865T>A (p.Leu289Met)

Gene: PRODH (proline dehydrogenase 1; minus strand). Cytogenetic location: 22q11.21.
Variant type: single nucleotide variant.
Coding change: c.865T>A on transcript NM_016335.6 (MANE Select); coding-DNA position 865, T replaced by A.
Protein change: p.Leu289Met; replaces leucine 289 with methionine.
Molecular consequence: missense variant.
Genome position (GRCh38, 1-based): chr22:18,922,389, A>T on the plus strand (T>A on the coding strand, the complement: PRODH is on the minus strand). VCF-style: chr22-18922389-A-T. GRCh37 (hg19) VCF-style: chr22-18909902-A-T.
Other names: c.541T>A, p.Leu181Met (NM_001195226.2); short protein forms L289M, L181M.
Identifiers: ClinVar variation 4007 (VCV000004007.19), dbSNP rs137852934, ClinGen allele CA116572.